The following is an entry in ClinVar:

NM_015335.5(MED13L):c.5451T>C (p.Gly1817=)

Gene: MED13L (mediator complex subunit 13L; minus strand). Cytogenetic location: 12q24.21.
Variant type: single nucleotide variant.
Coding change: c.5451T>C on transcript NM_015335.5 (MANE Select); coding-DNA position 5451, T replaced by C.
Protein change: p.Gly1817=; no amino-acid change (glycine 1817 retained).
Molecular consequence: synonymous variant.
Genome position (GRCh38, 1-based): chr12:115,975,652, A>G on the plus strand (T>C on the coding strand, the complement: MED13L is on the minus strand). VCF-style: chr12-115975652-A-G. GRCh37 (hg19) VCF-style: chr12-116413457-A-G.
Identifiers: ClinVar variation 1964699 (VCV001964699.6), dbSNP rs759694170, ClinGen allele CA6810586.
Genomic context (GRCh38, chr12:115,975,652, plus strand): 5'-GCGCTGGTCGTGAGACAGACAATAGCCCACGAAGAGCACATTGTATTTCTGGCTCGCCTC[A>G]CCAAACGTCTCTCCCAGCTCTGTCTGCTTGTCTTTGATTGGGGCCAATATAAAGGGAGGG-3'
Protein context (NP_056150.1, residues 1807-1827): DKQTELGETF[Gly1817=]EASQKYNVLF

ClinVar aggregate classification (germline): Likely benign. Review status: criteria provided, multiple submitters, no conflicts (2 of 4 stars). 2 submissions from 2 submitters: Likely benign (2). Last evaluated 2026-08-01.

Conditions:
Dextro-looped transposition of the great arteries. Also called: Dextrotransposition of the great arteries. Identifiers: Orphanet 860, MedGen C3531771, MONDO:0019443, OMIM 608808, HP:0031348.

Allele frequency attached by ClinVar (database versions not stated): gnomAD exomes 0.00003; TOPMed 0.00003; ExAC 0.00004.
gnomAD v4.1: 16 of 1,614,060 alleles (0.00099%); highest among the groups gnomAD compares: Admixed American, 0.027%; no homozygotes.

Submissions (2):

CeGaT Center for Human Genetics Tuebingen
Classification: Likely benign. Last evaluated: 2026-08-01. Review status: criteria provided, single submitter. Criteria: CeGaT Center For Human Genetics Tuebingen Variant Classification Criteria Version 2. Collection method: clinical testing. Allele origin: germline. Affected: yes. Observed: 1 variant allele.
Comment: MED13L: BP4, BP7

Labcorp Genetics (formerly Invitae), Labcorp
Classification: Likely benign for Dextro-looped transposition of the great arteries. Last evaluated: 2025-08-30. Review status: criteria provided, single submitter. Criteria: Invitae Variant Classification Sherloc (09022015). Collection method: clinical testing. Allele origin: germline.